The following is an entry in ClinVar:

ClinVar aggregate classification (germline): Pathogenic (1 of 4 stars; one submission).

Submission:

Labcorp Genetics (formerly Invitae), Labcorp
Classification: Pathogenic. Last evaluated: 2020-05-21. Review status: criteria provided, single submitter. Criteria: Invitae Variant Classification Sherloc (09022015). Collection method: clinical testing. Allele origin: germline.
Comment: This variant is an out-of-frame deletion of the genomic region encompassing exon(s) 15-16 of the ELP1 gene. This is expected to create a premature translational stop signal and result in an absent or disrupted protein product. For these reasons, this variant has been classified as Pathogenic. Loss-of-function variants in ELP1 are known to be pathogenic (PMID: 18303054, 24173031). This variant has not been reported in the literature in individuals with ELP1-related conditions.

Literature cited by the submitters: PubMed 18303054; PubMed 24173031.

NC_000009.11:g.(?_111665109)_(111665959_?)del

Gene: ELP1 (elongator acetyltransferase complex subunit 1; minus strand). Cytogenetic location: 9q31.3.
Variant type: Deletion.
Identifiers: ClinVar variation 1069002 (VCV001069002.5).